The following is an entry in ClinVar:

ClinVar aggregate classification (germline): Uncertain significance (1 of 4 stars; one submission).

Submission:

Centre of Medical Genetics, University Hospital Muenster
Classification: Uncertain significance. Last evaluated: 2023-07-26. Review status: criteria provided, single submitter. Criteria: ACMG Guidelines, 2015. Collection method: clinical testing. Allele origin: unknown. Affected: yes. Observed: 1 variant allele, 1 heterozygote.
Comment: ACMG categories: PM2

NM_006035.4(CDC42BPB):c.4661G>A (p.Arg1554Lys)

Gene: CDC42BPB (CDC42 binding protein kinase beta; minus strand). Cytogenetic location: 14q32.32.
Variant type: single nucleotide variant.
Coding change: c.4661G>A on transcript NM_006035.4 (MANE Select); coding-DNA position 4661, G replaced by A.
Protein change: p.Arg1554Lys; replaces arginine 1554 with lysine.
Molecular consequence: missense variant.
Genome position (GRCh38, 1-based): chr14:102,939,878, C>T on the plus strand (G>A on the coding strand, the complement: CDC42BPB is on the minus strand). VCF-style: chr14-102939878-C-T. GRCh37 (hg19) VCF-style: chr14-103406215-C-T.
Other names: c.4583G>A, p.Arg1528Lys (NM_001411054.1); short protein forms R1528K, R1554K.
Identifiers: ClinVar variation 3062169 (VCV003062169.2), dbSNP rs2542736579, ClinGen allele CA391073083.